The following is an entry in ClinVar:

ClinVar aggregate classification (germline): Uncertain significance (1 of 4 stars; one submission).

Conditions:
Atrial fibrillation, familial, 7 (ATFB7). Identifiers: MedGen C2677106, MONDO:0012828, OMIM 612240.

Allele frequency attached by ClinVar (database versions not stated): ExAC 0.00001; ESP Exome Variant Server 0.00008.

Submission:

Labcorp Genetics (formerly Invitae), Labcorp
Classification: Uncertain significance for Atrial fibrillation, familial, 7. Last evaluated: 2021-10-20. Review status: criteria provided, single submitter. Criteria: Invitae Variant Classification Sherloc (09022015). Collection method: clinical testing. Allele origin: germline.
Comment: This variant has not been reported in the literature in individuals affected with KCNA5-related conditions. In summary, the available evidence is currently insufficient to determine the role of this variant in disease. Therefore, it has been classified as a Variant of Uncertain Significance. Algorithms developed to predict the effect of missense changes on protein structure and function are either unavailable or do not agree on the potential impact of this missense change (SIFT: "Deleterious"; PolyPhen-2: "Possibly Damaging"; Align-GVGD: "Class C0"). This variant is present in population databases (rs148812702, ExAC 0.001%). This sequence change replaces serine with cysteine at codon 465 of the KCNA5 protein (p.Ser465Cys). The serine residue is highly conserved and there is a moderate physicochemical difference between serine and cysteine.

NM_002234.4(KCNA5):c.1394C>G (p.Ser465Cys)

Gene: KCNA5 (potassium voltage-gated channel subfamily A member 5; plus strand). Cytogenetic location: 12p13.32.
Variant type: single nucleotide variant.
Coding change: c.1394C>G on transcript NM_002234.4 (MANE Select); coding-DNA position 1394, C replaced by G.
Protein change: p.Ser465Cys; replaces serine 465 with cysteine.
Molecular consequence: missense variant.
Genome position (GRCh38, 1-based): chr12:5,045,541, C>G. VCF-style: chr12-5045541-C-G. GRCh37 (hg19) VCF-style: chr12-5154707-C-G.
Other names: short protein forms S465C.
Identifiers: ClinVar variation 1022595 (VCV001022595.6), dbSNP rs148812702, ClinGen allele CA6399862.